The following is an entry in ClinVar:

NM_019032.6(ADAMTSL4):c.2251C>T (p.Arg751Trp)

Gene: ADAMTSL4 (ADAMTS like 4; plus strand). Cytogenetic location: 1q21.2.
Variant type: single nucleotide variant.
Coding change: c.2251C>T on transcript NM_019032.6 (MANE Select); coding-DNA position 2251, C replaced by T.
Protein change: p.Arg751Trp; replaces arginine 751 with tryptophan.
Molecular consequence: missense variant.
Genome position (GRCh38, 1-based): chr1:150,558,018, C>T. VCF-style: chr1-150558018-C-T. GRCh37 (hg19) VCF-style: chr1-150530494-C-T.
Other names: c.2134C>T, p.Arg712Trp (NM_001288607.2); c.2320C>T, p.Arg774Trp (NM_001288608.2); c.2251C>T, p.Arg751Trp (NM_001378596.1, NM_025008.5); short protein forms R751W, R712W, R774W.
Identifiers: ClinVar variation 875327 (VCV000875327.9), dbSNP rs371399521, ClinGen allele CA1078594.

ClinVar aggregate classification (germline): Uncertain significance. Review status: criteria provided, multiple submitters, no conflicts (2 of 4 stars). 5 submissions from 4 submitters: Uncertain significance (5). Last evaluated 2025-10-07.

Conditions:
Inborn genetic diseases. Identifiers: MedGen C0950123, MeSH D030342.
Ectopia lentis et pupillae. Also called: ECTOPIA LENTIS WITH ECTOPIA OF PUPIL. Identifiers: Orphanet 1885, MedGen C1644196, MONDO:0009153, OMIM 225200.
Ectopia lentis 2, isolated, autosomal recessive (ECTOL2). Identifiers: Orphanet 1885, MedGen C3541474, MONDO:0009152, OMIM 225100.

Allele frequency attached by ClinVar (database versions not stated): ExAC 0.00006; TOPMed 0.00006; ESP Exome Variant Server 0.00008; gnomAD 0.00008 and 0.00009; gnomAD exomes 0.00008; 1000 Genomes Project 30x 0.00031; 1000 Genomes Project 0.00040.
gnomAD v4.1: 129 of 1,612,658 alleles (0.008%); highest among the groups gnomAD compares: East Asian, 0.022%; 1 homozygote.

Submissions (5):

Ambry Genetics
Classification: Uncertain significance for Inborn genetic diseases. Last evaluated: 2025-10-07. Review status: criteria provided, single submitter. Criteria: Ambry Variant Classification Scheme 2023. Collection method: clinical testing. Allele origin: germline.

Genome-Nilou Lab
Classification: Uncertain significance for Ectopia lentis et pupillae. Last evaluated: 2023-04-11. Review status: criteria provided, single submitter. Criteria: ACMG Guidelines, 2015. Collection method: clinical testing. Allele origin: germline. Affected: no.

Genome-Nilou Lab
Classification: Uncertain significance for Ectopia lentis 2, isolated, autosomal recessive. Last evaluated: 2023-04-11. Review status: criteria provided, single submitter. Criteria: ACMG Guidelines, 2015. Collection method: clinical testing. Allele origin: germline. Affected: no.

Labcorp Genetics (formerly Invitae), Labcorp
Classification: Uncertain significance. Last evaluated: 2022-10-31. Review status: criteria provided, single submitter. Criteria: Invitae Variant Classification Sherloc (09022015). Collection method: clinical testing. Allele origin: germline.
Comment: This sequence change replaces arginine, which is basic and polar, with tryptophan, which is neutral and slightly polar, at codon 751 of the ADAMTSL4 protein (p.Arg751Trp). This variant is present in population databases (rs371399521, gnomAD 0.03%). This variant has not been reported in the literature in individuals affected with ADAMTSL4-related conditions. ClinVar contains an entry for this variant (Variation ID: 875327). Advanced modeling of protein sequence and biophysical properties (such as structural, functional, and spatial information, amino acid conservation, physicochemical variation, residue mobility, and thermodynamic stability) performed at Invitae indicates that this missense variant is expected to disrupt ADAMTSL4 protein function. In summary, the available evidence is currently insufficient to determine the role of this variant in disease. Therefore, it has been classified as a Variant of Uncertain Significance.

Illumina Laboratory Services, Illumina
Classification: Uncertain significance for Ectopia lentis 2, isolated, autosomal recessive. Last evaluated: 2018-01-12. Review status: criteria provided, single submitter. Criteria: ICSL Variant Classification Criteria 13 December 2019. Collection method: clinical testing. Allele origin: germline.